The following is an entry in ClinVar:

NM_021076.4(NEFH):c.771C>T (p.Ala257=)

Gene: NEFH (neurofilament heavy chain; plus strand). Cytogenetic location: 22q12.2.
Variant type: single nucleotide variant.
Coding change: c.771C>T on transcript NM_021076.4 (MANE Select); coding-DNA position 771, C replaced by T.
Protein change: p.Ala257=; no amino-acid change (alanine 257 retained).
Molecular consequence: synonymous variant.
Genome position (GRCh38, 1-based): chr22:29,481,033, C>T. VCF-style: chr22-29481033-C-T. GRCh37 (hg19) VCF-style: chr22-29877022-C-T.
Other names: c.771C>T (NM_021076.3).
Identifiers: ClinVar variation 1546786 (VCV001546786.9), dbSNP rs549810426, ClinGen allele CA10174036.

ClinVar aggregate classification (germline): Benign. Review status: criteria provided, single submitter (1 of 4 stars). 2 submissions from 2 submitters: Benign (1). 1 of the submissions does not count toward it. Last evaluated 2025-04-10.

Conditions:
NEFH-related disorder. Also called: NEFH-related condition.

Allele frequency attached by ClinVar (database versions not stated): gnomAD exomes 0.00002 and 0.00006; TOPMed 0.00029; gnomAD 0.00030 and 0.00033; 1000 Genomes Project 0.00060; 1000 Genomes Project 30x 0.00078.
gnomAD v4.1: 85 of 1,531,410 alleles (0.0056%); highest among the groups gnomAD compares: African/African-American, 0.1%; no homozygotes.

Submissions (2):

Labcorp Genetics (formerly Invitae), Labcorp
Classification: Benign. Last evaluated: 2025-04-10. Review status: criteria provided, single submitter. Criteria: Invitae Variant Classification Sherloc (09022015). Collection method: clinical testing. Allele origin: germline.

PreventionGenetics, part of Exact Sciences
Classification: Likely benign for NEFH-related condition. Last evaluated: 2024-07-28. Review status: no assertion criteria provided. Collection method: clinical testing. Allele origin: germline. Not counted in ClinVar's aggregate classification.
Comment: This variant is classified as likely benign based on ACMG/AMP sequence variant interpretation guidelines (Richards et al. 2015 PMID: 25741868, with internal and published modifications).